The following is an entry in ClinVar:

ClinVar aggregate classification (germline): Uncertain significance. Review status: criteria provided, multiple submitters, no conflicts (2 of 4 stars). 2 submissions from 2 submitters: Uncertain significance (2). Last evaluated 2025-12-16.

gnomAD v4.1: 10 of 1,614,054 alleles (0.00062%); highest among the groups gnomAD compares: Non-Finnish European, 0.00085%; no homozygotes.

Submissions (2):

Labcorp Genetics (formerly Invitae), Labcorp
Classification: Uncertain significance. Last evaluated: 2025-12-16. Review status: criteria provided, single submitter. Criteria: Invitae Variant Classification Sherloc (09022015). Collection method: clinical testing. Allele origin: germline.
Comment: This sequence change replaces glutamic acid, which is acidic and polar, with lysine, which is basic and polar, at codon 60 of the GNAT1 protein (p.Glu60Lys). This variant is present in population databases (no rsID available, gnomAD 0.0009%). This variant has not been reported in the literature in individuals affected with GNAT1-related conditions. Invitae Evidence Modeling of protein sequence and biophysical properties (such as structural, functional, and spatial information, amino acid conservation, physicochemical variation, residue mobility, and thermodynamic stability) indicates that this missense variant is not expected to disrupt GNAT1 protein function with a negative predictive value of 80%. In summary, the available evidence is currently insufficient to determine the role of this variant in disease. Therefore, it has been classified as a Variant of Uncertain Significance.

Blueprint Genetics
Classification: Uncertain significance. Last evaluated: 2022-09-22. Review status: criteria provided, single submitter. Criteria: ACMG Guidelines, 2015. Collection method: clinical testing. Allele origin: germline.

NM_144499.3(GNAT1):c.178G>A (p.Glu60Lys)

Gene: GNAT1 (G protein subunit alpha transducin 1; plus strand). Cytogenetic location: 3p21.31.
Variant type: single nucleotide variant.
Coding change: c.178G>A on transcript NM_144499.3 (MANE Select); coding-DNA position 178, G replaced by A.
Protein change: p.Glu60Lys; replaces glutamic acid 60 with lysine.
Molecular consequence: missense variant.
Genome position (GRCh38, 1-based): chr3:50,193,293, G>A. VCF-style: chr3-50193293-G-A. GRCh37 (hg19) VCF-style: chr3-50230726-G-A.
Other names: c.178G>A, p.Glu60Lys (NM_000172.4); short protein forms E60K.
Identifiers: ClinVar variation 4762803 (VCV004762803.2).